The following is an entry in ClinVar:

NM_001037131.3(AGAP1):c.1574A>G (p.Asn525Ser)

Gene: AGAP1 (ArfGAP with GTPase domain, ankyrin repeat and PH domain 1; plus strand). Cytogenetic location: 2q37.2.
Variant type: single nucleotide variant.
Coding change: c.1574A>G on transcript NM_001037131.3 (MANE Select); coding-DNA position 1574, A replaced by G.
Protein change: p.Asn525Ser; replaces asparagine 525 with serine.
Molecular consequence: missense variant.
Genome position (GRCh38, 1-based): chr2:235,968,552, A>G. VCF-style: chr2-235968552-A-G. GRCh37 (hg19) VCF-style: chr2-236877196-A-G.
Other names: c.1415A>G, p.Asn472Ser (NM_014914.5); short protein forms N525S, N472S.
Identifiers: ClinVar variation 2131349 (VCV002131349.4), dbSNP rs2469953008, ClinGen allele CA351166549.
Genomic context (GRCh38, chr2:235,968,552, plus strand): 5'-GCCCCAGTATCTCCAGCACCACCAGCCCCAAGCTCGACCCGCCCCCCTCCCCTCACGCCA[A>G]CAGAAAGAAGCACCGAAGGAAGAAAAGCACTAGCAACTTCAAAGCCGACGGCCTGTCCGG-3'
Protein context (NP_001032208.1, residues 515-535): KLDPPPSPHA[Asn525Ser]RKKHRRKKST

ClinVar aggregate classification (germline): Uncertain significance (1 of 4 stars; one submission).

Allele frequency attached by ClinVar (database versions not stated): gnomAD exomes below 0.00001.
gnomAD v4.1: 2 of 1,236,232 alleles (0.00016%); highest among the groups gnomAD compares: Non-Finnish European, 0.00022%; no homozygotes.

Submission:

Labcorp Genetics (formerly Invitae), Labcorp
Classification: Uncertain significance. Last evaluated: 2022-10-11. Review status: criteria provided, single submitter. Criteria: Invitae Variant Classification Sherloc (09022015). Collection method: clinical testing. Allele origin: germline.
Comment: In summary, the available evidence is currently insufficient to determine the role of this variant in disease. Therefore, it has been classified as a Variant of Uncertain Significance. Algorithms developed to predict the effect of missense changes on protein structure and function are either unavailable or do not agree on the potential impact of this missense change (SIFT: "Deleterious"; PolyPhen-2: "Benign"; Align-GVGD: "Class C0"). This variant has not been reported in the literature in individuals affected with AGAP1-related conditions. This variant is not present in population databases (gnomAD no frequency). This sequence change replaces asparagine, which is neutral and polar, with serine, which is neutral and polar, at codon 472 of the AGAP1 protein (p.Asn472Ser).